The following is an entry in ClinVar:

ClinVar aggregate classification (germline): Conflicting classifications of pathogenicity. Review status: criteria provided, conflicting classifications (1 of 4 stars). 15 submissions from 15 submitters: Uncertain significance (2); Benign (1); Likely benign (9). 3 of the submissions do not count toward it. Last evaluated 2026-02-03.

Conditions:
Connective tissue disorder. Also called: Connective tissue disease. Identifiers: MedGen C0009782, MONDO:0003900.
Ehlers-Danlos syndrome, classic type, 1 (EDSCL1). Also called: EHLERS-DANLOS SYNDROME, GRAVIS TYPE; EHLERS-DANLOS SYNDROME, SEVERE CLASSIC TYPE; Ehlers-Danlos syndrome, type 1; Ehlers-Danlos Syndrome, Classic Type, COL5A1-Related; EDS I. Identifiers: MedGen C0268335, MONDO:0019567, OMIM 130000.
COL5A1-related disorder. Also called: COL5A1-related condition.
Ehlers-Danlos syndrome, classic type (cEDS). Identifiers: Orphanet 287, MedGen C4225429, MONDO:0007522.
Ehlers-Danlos syndrome (EDS). Identifiers: Orphanet 98249, MedGen C0013720, MONDO:0020066.
Familial thoracic aortic aneurysm and aortic dissection (TAAD). Also called: Thoracic aortic aneurysms and dissections. Identifiers: Orphanet 91387, MedGen C4707243, MONDO:0019625.

Allele frequency attached by ClinVar (database versions not stated): 1000 Genomes Project 0.00020; TOPMed 0.00075; ExAC 0.00084; ESP Exome Variant Server 0.00108; 1000 Genomes Project 30x 0.00016.
gnomAD v4.1: 1,714 of 1,613,598 alleles (0.11%); highest among the groups gnomAD compares: South Asian, 0.16%; 4 homozygotes.

Submissions (15):

Labcorp Genetics (formerly Invitae), Labcorp
Classification: Likely benign for Ehlers-Danlos syndrome, classic type, 1. Last evaluated: 2026-02-03. Review status: criteria provided, single submitter. Criteria: Invitae Variant Classification Sherloc (09022015). Collection method: clinical testing. Allele origin: germline.

PreventionGenetics, part of Exact Sciences
Classification: Likely benign for COL5A1-related condition. Last evaluated: 2024-11-05. Review status: criteria provided, single submitter. Criteria: ACMG Guidelines, 2015. Collection method: clinical testing. Allele origin: germline.
Comment: This variant is classified as likely benign based on ACMG/AMP sequence variant interpretation guidelines (Richards et al. 2015 PMID: 25741868, with internal and published modifications).

Blueprint Genetics
Classification: Likely benign. Last evaluated: 2024-09-30. Review status: criteria provided, single submitter. Criteria: ACMG Guidelines, 2015. Collection method: clinical testing. Allele origin: germline.

ARUP Laboratories, Molecular Genetics and Genomics, ARUP Laboratories
Classification: Likely benign. Last evaluated: 2024-02-12. Review status: criteria provided, single submitter. Criteria: ARUP Molecular Germline Variant Investigation Process 2024. Collection method: clinical testing. Allele origin: germline.

CeGaT Center for Human Genetics Tuebingen
Classification: Likely benign. Last evaluated: 2023-10-01. Review status: criteria provided, single submitter. Criteria: CeGaT Center For Human Genetics Tuebingen Variant Classification Criteria Version 2. Collection method: clinical testing. Allele origin: germline. Affected: yes. Observed: 1 variant allele.
Comment: COL5A1: BS2

Women's Health and Genetics/Laboratory Corporation of America, LabCorp
Classification: Likely benign. Last evaluated: 2023-08-10. Review status: criteria provided, single submitter. Criteria: LabCorp Variant Classification Summary - May 2015. Collection method: clinical testing. Allele origin: germline.

Genome Diagnostics Laboratory, The Hospital for Sick Children
Classification: Likely benign for Ehlers-Danlos syndrome. Last evaluated: 2021-10-08. Review status: criteria provided, single submitter. Criteria: ACMG Guidelines, 2015. Collection method: clinical testing. Allele origin: germline.

GeneDx
Classification: Likely benign. Last evaluated: 2021-03-25. Review status: criteria provided, single submitter. Criteria: GeneDx Variant Classification Process June 2021. Collection method: clinical testing. Allele origin: germline. Affected: yes.

Ambry Genetics
Classification: Likely benign for Familial thoracic aortic aneurysm and aortic dissection. Last evaluated: 2018-02-22. Review status: criteria provided, single submitter. Criteria: Ambry Variant Classification Scheme 2023. Collection method: clinical testing. Allele origin: germline.

Illumina Laboratory Services, Illumina
Classification: Benign for Ehlers-Danlos syndrome, classic type, 1. Last evaluated: 2017-07-11. Review status: criteria provided, single submitter. Criteria: ICSL Variant Classification Criteria 13 December 2019. Collection method: clinical testing. Allele origin: germline.
Comment: This variant was observed as part of a predisposition screen in an ostensibly healthy population. A literature search was performed for the gene, cDNA change, and amino acid change (where applicable). No publications were found based on this search. Allele frequency data from public databases was too high to be consistent with this variant causing disease. Therefore, this variant is classified as benign.

Center for Human Genetics, Inc
Classification: Uncertain significance for Connective tissue disorder. Last evaluated: 2016-11-01. Review status: criteria provided, single submitter. Criteria: ACMG Guidelines, 2015. Collection method: clinical testing. Allele origin: germline. Affected: yes.

Eurofins Ntd Llc (ga)
Classification: Uncertain significance. Last evaluated: 2015-01-09. Review status: criteria provided, single submitter. Criteria: EGL Classification Definitions 2015. Collection method: clinical testing. Allele origin: germline. Observed: 1 variant allele, 1 heterozygote.

Clinical Genetics DNA and cytogenetics Diagnostics Lab, Erasmus MC, Erasmus Medical Center
Classification: Likely benign. Review status: no assertion criteria provided. Collection method: clinical testing. Allele origin: germline. Affected: yes. Study: VKGL Data-share Consensus. Not counted in ClinVar's aggregate classification.

Genome Diagnostics Laboratory, Amsterdam University Medical Center
Classification: Likely benign. Review status: no assertion criteria provided. Collection method: clinical testing. Allele origin: germline. Affected: yes. Study: VKGL Data-share Consensus. Not counted in ClinVar's aggregate classification.

Genome Diagnostics Laboratory, University Medical Center Utrecht
Classification: Likely benign. Review status: no assertion criteria provided. Collection method: clinical testing. Allele origin: germline. Affected: yes. Study: VKGL Data-share Consensus. Not counted in ClinVar's aggregate classification.

NM_000093.5(COL5A1):c.5350G>A (p.Ala1784Thr)

Genes: COL5A1 (collagen type V alpha 1 chain; plus strand), LOC101448202 (uncharacterized LOC101448202; minus strand). Cytogenetic location: 9q34.3.
Variant type: single nucleotide variant.
Coding change: c.5350G>A on transcript NM_000093.5 (MANE Select); coding-DNA position 5350, G replaced by A.
Protein change: p.Ala1784Thr; replaces alanine 1784 with threonine.
Molecular consequence: missense variant.
Genome position (GRCh38, 1-based): chr9:134,835,184, G>A. VCF-style: chr9-134835184-G-A. GRCh37 (hg19) VCF-style: chr9-137727030-G-A.
Other names: p.A1784T:GCC>ACC; c.5350G>A, p.Ala1784Thr (NM_001278074.1); short protein forms A1784T.
Identifiers: ClinVar variation 180300 (VCV000180300.65), dbSNP rs143859495, ClinGen allele CA246946.